The following is an entry in ClinVar:

NM_003060.4(SLC22A5):c.284_285delinsGCGCTC (p.Leu95fs)

Gene: SLC22A5 (solute carrier family 22 member 5; plus strand). Cytogenetic location: 5q31.1.
Variant type: Indel.
Coding change: c.284_285delinsGCGCTC on transcript NM_003060.4 (MANE Select); coding-DNA positions 284 to 285, TT replaced by GCGCTC.
Protein change: p.Leu95fs; shifts the reading frame from leucine 95.
Molecular consequence: frameshift variant.
Genome position (GRCh38, 1-based): chr5:132,370,256-132,370,257, TT replaced by GCGCTC. VCF-style: chr5-132370256-TT-GCGCTC. GRCh37 (hg19) VCF-style: chr5-131705948-TT-GCGCTC.
Other names: c.284_285delinsGCGCTC, p.Leu95fs (NM_001308122.2); short protein forms L95fs.
Identifiers: ClinVar variation 5014513 (VCV005014513.1).

ClinVar aggregate classification (germline): Pathogenic (1 of 4 stars; one submission).

Conditions:
Renal carnitine transport defect (CDSP). Also called: Carnitine Deficiency, Systemic; CARNITINE DEFICIENCY, SYSTEMIC, DUE TO DEFECT IN RENAL REABSORPTION OF CARNITINE; CARNITINE TRANSPORTER, PLASMA-MEMBRANE, DEFICIENCY OF; CARNITINE UPTAKE DEFECT; Primary carnitine deficiency; Systemic primary carnitine deficiency. Identifiers: Orphanet 158, MedGen C0342788, MONDO:0008919, OMIM 212140.

Submission:

Myriad Genetics, Inc.
Classification: Pathogenic for Renal carnitine transport defect. Last evaluated: 2025-05-24. Review status: criteria provided, single submitter. Criteria: Myriad Autosomal Dominant, Autosomal Recessive and X-Linked Classification Criteria (2023). Collection method: clinical testing. Allele origin: unknown.
Comment: NM_003060.3(SLC22A5):c.284_285del2ins6(L95Rfs*44) is expected to be pathogenic in the context of primary carnitine deficiency. This variant is predicted to lead to an abnormal or absent protein product due to the creation of a premature termination codon in SLC22A5, a gene where loss-of-function variants are known to be pathogenic. Please note: this variant was assessed in the context of healthy population screening.